The following is an entry in ClinVar:

NM_177438.3(DICER1):c.1185_1187delinsC (p.Glu396fs)

Gene: DICER1 (dicer 1, ribonuclease III; minus strand). Cytogenetic location: 14q32.13.
Variant type: Indel.
Coding change: c.1185_1187delinsC on transcript NM_177438.3 (MANE Select); coding-DNA positions 1185 to 1187, TGA replaced by C.
Protein change: p.Glu396fs; shifts the reading frame from glutamic acid 396.
Molecular consequence: frameshift variant.
Genome position (GRCh38, 1-based): chr14:95,124,385-95,124,387, TCA replaced by G on the plus strand (TGA replaced by C on the coding strand, the reverse complement: DICER1 is on the minus strand). VCF-style: chr14-95124385-TCA-G. GRCh37 (hg19) VCF-style: chr14-95590722-TCA-G.
Other names: c.1185_1187delTGAinsC (NM_177438.2); c.1185_1187delinsC, p.Glu396fs (NM_001195573.1, NM_001271282.3, NM_001291628.2 and 1 more transcripts); short protein forms E396fs.
Identifiers: ClinVar variation 254284 (VCV000254284.8), dbSNP rs886037668, ClinGen allele CA10586461.

ClinVar aggregate classification (germline): Pathogenic. Review status: criteria provided, multiple submitters, no conflicts (2 of 4 stars). 3 submissions from 3 submitters: Pathogenic (3). Last evaluated 2019-07-01.

Conditions:
DICER1-related tumor predisposition. Also called: DICER1 syndrome; DICER1-related pleuropulmonary blastoma cancer predisposition syndrome. Identifiers: Orphanet 284343, MedGen C3839822, MONDO:0100216.
Hereditary cancer-predisposing syndrome. Also called: Tumor predisposition; Hereditary Cancer Syndrome; Neoplastic Syndromes, Hereditary; Hereditary neoplastic syndrome. Identifiers: Orphanet 140162, MedGen C0027672, MeSH D009386, MONDO:0015356.

Submissions (3):

Foulkes Cancer Genetics LDI, Lady Davis Institute for Medical Research
Classification: Pathogenic for Pleuropulmonary blastoma. Last evaluated: 2019-07-01. Review status: criteria provided, single submitter. Criteria: ACMG Guidelines, 2015. Collection method: curation. Allele origin: germline. Affected: yes. Observed: 1 variant allele.
Comment: ACMG criteria met: PVS1, PM2, PP4

International Pleuropulmonary Blastoma Registry, Children's Hospitals and Clinics of Minnesota
Classification: Pathogenic for Pleuropulmonary blastoma. Last evaluated: 2014-11-10. Review status: criteria provided, single submitter. Criteria: Hill et al. (Science. 2009). Collection method: clinical testing. Allele origin: germline. Affected: yes. Study: PPB-DICER1 Genetic study.

Ambry Genetics
Classification: Pathogenic for Hereditary cancer-predisposing syndrome. Last evaluated: 2014-05-29. Review status: criteria provided, single submitter. Criteria: Ambry Variant Classification Scheme 2023. Collection method: clinical testing. Allele origin: germline.
Comment: The c.1185_1187delTGAinsC pathogenic mutation, located in coding exon 7 of the DICER1 gene, results from the deletion of 3 nucleotides followed by the insertion of 1 nucleotide causing a translational frameshift with a predicted alternate stop codon. Since frameshifts are typically deleterious in nature, this alteration is interpreted as a disease-causing mutation (ACMG Recommendations for Standards for Interpretation and Reporting of Sequence Variations. Revision 2007. Genet Med. 2008;10:294).

Literature cited by the submitters: PubMed 26925222 (cited by Foulkes Cancer Genetics LDI, Lady Davis Institute for Medical Research and International Pleuropulmonary Blastoma Registry, Children's Hospitals and Clinics of Minnesota).